The following is an entry in ClinVar:

ClinVar aggregate classification (germline): Likely pathogenic (1 of 4 stars; one submission).

Conditions:
MEGF10-related myopathy (CMYO10A). Also called: Congenital myopathy 10A, severe variant. Identifiers: Orphanet 439212, MedGen C3280679, MONDO:0013731, OMIM 614399.

Allele frequency attached by ClinVar (database versions not stated): gnomAD exomes 0.00001; gnomAD 0.00002.
gnomAD v4.1: 11 of 1,613,336 alleles (0.00068%); highest among the groups gnomAD compares: African/African-American, 0.004%; no homozygotes.

Submission:

Labcorp Genetics (formerly Invitae), Labcorp
Classification: Likely pathogenic for MEGF10-related myopathy. Last evaluated: 2022-11-08. Review status: criteria provided, single submitter. Criteria: Invitae Variant Classification Sherloc (09022015). Collection method: clinical testing. Allele origin: germline.
Comment: In summary, the currently available evidence indicates that the variant is pathogenic, but additional data are needed to prove that conclusively. Therefore, this variant has been classified as Likely Pathogenic. Algorithms developed to predict the effect of sequence changes on RNA splicing suggest that this variant may disrupt the consensus splice site. ClinVar contains an entry for this variant (Variation ID: 1512926). This variant has not been reported in the literature in individuals affected with MEGF10-related conditions. This variant is present in population databases (no rsID available, gnomAD 0.01%). This sequence change affects a donor splice site in intron 23 of the MEGF10 gene. It is expected to disrupt RNA splicing. Variants that disrupt the donor or acceptor splice site typically lead to a loss of protein function (PMID: 16199547), and loss-of-function variants in MEGF10 are known to be pathogenic (PMID: 22101682, 22371254, 23453856, 23954233).

Literature cited by the submitters: PubMed 16199547; PubMed 22101682; PubMed 22371254; PubMed 23453856; PubMed 23954233.

NM_001256545.2(MEGF10):c.2980+1G>T

Gene: MEGF10 (multiple EGF like domains 10; plus strand). Cytogenetic location: 5q23.2.
Variant type: single nucleotide variant.
Coding change: c.2980+1G>T on transcript NM_001256545.2 (MANE Select); the canonical splice donor site of the intron after coding-DNA position 2980, G replaced by T.
Molecular consequence: splice donor variant.
Genome position (GRCh38, 1-based): chr5:127,449,223, G>T. VCF-style: chr5-127449223-G-T. GRCh37 (hg19) VCF-style: chr5-126784915-G-T.
Other names: c.2980+1G>T (NM_032446.3).
Identifiers: ClinVar variation 1512926 (VCV001512926.6), dbSNP rs1247305358, ClinGen allele CA360735602.